The following is an entry in ClinVar:

ClinVar aggregate classification (germline): Pathogenic/Likely pathogenic. Review status: criteria provided, multiple submitters, no conflicts (2 of 4 stars). 2 submissions from 2 submitters: Pathogenic (1); Likely pathogenic (1). Last evaluated 2023-11-01.

Conditions:
CHM-related disorders.

Submissions (2):

Blueprint Genetics
Classification: Likely pathogenic for CHM-related disorders. Last evaluated: 2023-11-01. Review status: criteria provided, single submitter. Criteria: ACMG Guidelines, 2015. Collection method: clinical testing. Allele origin: germline. Affected: yes. Observed: 2 variant alleles.

Labcorp Genetics (formerly Invitae), Labcorp
Classification: Pathogenic. Last evaluated: 2021-10-22. Review status: criteria provided, single submitter. Criteria: Invitae Variant Classification Sherloc (09022015). Collection method: clinical testing. Allele origin: germline.
Comment: For these reasons, this variant has been classified as Pathogenic. This variant has not been reported in the literature in individuals affected with CHM-related conditions. This variant is not present in population databases (gnomAD no frequency). This sequence change creates a premature translational stop signal (p.Met196Glufs*2) in the CHM gene. It is expected to result in an absent or disrupted protein product. Loss-of-function variants in CHM are known to be pathogenic (PMID: 9067750, 23811034).

Literature cited by the submitters: PubMed 9067750 (cited by Labcorp Genetics (formerly Invitae), Labcorp); PubMed 23811034 (cited by Labcorp Genetics (formerly Invitae), Labcorp).

NM_000390.4(CHM):c.586_587del (p.Met196fs)

Gene: CHM (CHM Rab escort protein; minus strand). Cytogenetic location: Xq21.2.
Variant type: Deletion.
Coding change: c.586_587del on transcript NM_000390.4 (MANE Select); coding-DNA positions 586 to 587, 2 bases deleted (AT; older notation c.586_587delAT).
Protein change: p.Met196fs; shifts the reading frame from methionine 196.
Molecular consequence: frameshift variant.
Genome position (GRCh38, 1-based): chrX:85,963,780-85,963,781, AT deleted on the plus strand (AT on the coding strand, the reverse complement: CHM is on the minus strand). VCF-style (leftmost placement, unchanged base first): chrX-85963779-CAT-C. GRCh37 (hg19) VCF-style: chrX-85218784-CAT-C.
Other names: c.142_143del, p.Met48fs (NM_001320959.1, NM_001362517.1, NM_001362518.2 and 1 more transcripts); short protein forms M196fs, M48fs.
Identifiers: ClinVar variation 1420212 (VCV001420212.7), dbSNP rs2147675634, ClinGen allele CA2573159650.